The following is an entry in ClinVar:

ClinVar aggregate classification (germline): Pathogenic/Likely pathogenic. Review status: criteria provided, multiple submitters, no conflicts (2 of 4 stars). 2 submissions from 2 submitters: Pathogenic (1); Likely pathogenic (1). Last evaluated 2023-06-15.

Conditions:
Retinitis pigmentosa 25 (RP25). Identifiers: Orphanet 791, MedGen C1864446, MONDO:0011272, OMIM 602772.

Allele frequency attached by ClinVar (database versions not stated): gnomAD exomes below 0.00001.
gnomAD v4.1: 4 of 1,550,600 alleles (0.00026%); highest among the groups gnomAD compares: Non-Finnish European, 0.00035%; no homozygotes.

Submissions (2):

Labcorp Genetics (formerly Invitae), Labcorp
Classification: Pathogenic. Last evaluated: 2023-06-15. Review status: criteria provided, single submitter. Criteria: Invitae Variant Classification Sherloc (09022015). Collection method: clinical testing. Allele origin: germline.
Comment: This sequence change creates a premature translational stop signal (p.Leu1659*) in the EYS gene. It is expected to result in an absent or disrupted protein product. Loss-of-function variants in EYS are known to be pathogenic (PMID: 18836446, 20333770). This variant is not present in population databases (gnomAD no frequency). This variant has not been reported in the literature in individuals affected with EYS-related conditions. ClinVar contains an entry for this variant (Variation ID: 1803259). For these reasons, this variant has been classified as Pathogenic.

Genetics and Molecular Pathology, SA Pathology
Classification: Likely pathogenic for Retinitis pigmentosa 25. Last evaluated: 2021-02-19. Review status: criteria provided, single submitter. Criteria: ACMG Guidelines, 2015. Collection method: clinical testing. Allele origin: germline. Affected: yes.

Literature cited by the submitters: PubMed 18836446 (cited by Labcorp Genetics (formerly Invitae), Labcorp); PubMed 20333770 (cited by Labcorp Genetics (formerly Invitae), Labcorp).

NM_001142800.2(EYS):c.4976T>G (p.Leu1659Ter)

Gene: EYS (EGF-like photoreceptor maintenance factor; minus strand). Cytogenetic location: 6q12.
Variant type: single nucleotide variant.
Coding change: c.4976T>G on transcript NM_001142800.2 (MANE Select); coding-DNA position 4976, T replaced by G.
Protein change: p.Leu1659Ter; replaces leucine 1659 with a stop codon.
Molecular consequence: nonsense.
Genome position (GRCh38, 1-based): chr6:64,590,891, A>C on the plus strand (T>G on the coding strand, the complement: EYS is on the minus strand). VCF-style: chr6-64590891-A-C. GRCh37 (hg19) VCF-style: chr6-65300784-A-C.
Other names: c.4976T>G, p.Leu1659Ter (NM_001292009.2); short protein forms L1659*.
Identifiers: ClinVar variation 1803259 (VCV001803259.5), dbSNP rs1466540617, ClinGen allele CA364782127.